The following is an entry in ClinVar:

ClinVar aggregate classification (germline): Uncertain significance (1 of 4 stars; one submission).

Allele frequency attached by ClinVar (database versions not stated): TOPMed 0.00003; gnomAD 0.00005.
gnomAD v4.1: 78 of 1,613,660 alleles (0.0048%); highest among the groups gnomAD compares: Non-Finnish European, 0.0063%; no homozygotes.

Submission:

Labcorp Genetics (formerly Invitae), Labcorp
Classification: Uncertain significance. Last evaluated: 2021-12-07. Review status: criteria provided, single submitter. Criteria: Invitae Variant Classification Sherloc (09022015). Collection method: clinical testing. Allele origin: germline.
Comment: This variant has not been reported in the literature in individuals affected with MMP14-related conditions. This sequence change replaces glutamic acid, which is acidic and polar, with lysine, which is basic and polar, at codon 440 of the MMP14 protein (p.Glu440Lys). This variant is present in population databases (no rsID available, gnomAD 0.004%). Algorithms developed to predict the effect of missense changes on protein structure and function (SIFT, PolyPhen-2, Align-GVGD) all suggest that this variant is likely to be disruptive. In summary, the available evidence is currently insufficient to determine the role of this variant in disease. Therefore, it has been classified as a Variant of Uncertain Significance.

NM_004995.4(MMP14):c.1318G>A (p.Glu440Lys)

Gene: MMP14 (matrix metallopeptidase 14; plus strand). Cytogenetic location: 14q11.2.
Variant type: single nucleotide variant.
Coding change: c.1318G>A on transcript NM_004995.4 (MANE Select); coding-DNA position 1318, G replaced by A.
Protein change: p.Glu440Lys; replaces glutamic acid 440 with lysine.
Molecular consequence: missense variant.
Genome position (GRCh38, 1-based): chr14:22,845,267, G>A. VCF-style: chr14-22845267-G-A. GRCh37 (hg19) VCF-style: chr14-23314476-G-A.
Other names: short protein forms E440K.
Identifiers: ClinVar variation 1916314 (VCV001916314.5), dbSNP rs1176285078, ClinGen allele CA388933868.